The following is an entry in ClinVar:

ClinVar aggregate classification (germline): Uncertain significance (1 of 4 stars; one submission).

Conditions:
Nephronophthisis. Also called: Juvenile Nephronophthisis. Identifiers: Orphanet 655, MedGen C0687120, MONDO:0019005, HP:0000090.
Meckel-Gruber syndrome. Also called: DYSENCEPHALIA SPLANCHNOCYSTICA; GRUBER SYNDROME; Dysencephalia splachnocystica. Identifiers: Orphanet 564, MedGen C0265215, MONDO:0018921.
Joubert syndrome. Also called: CEREBELLOPARENCHYMAL DISORDER IV; JOUBERT-BOLTSHAUSER SYNDROME; Familial aplasia of the vermis. Identifiers: Orphanet 475, MedGen C5979921, MONDO:0018772.

Allele frequency attached by ClinVar (database versions not stated): gnomAD exomes below 0.00001; TOPMed below 0.00001; gnomAD 0.00001.
gnomAD v4.1: 4 of 1,587,344 alleles (0.00025%); highest among the groups gnomAD compares: South Asian, 0.0012%; no homozygotes.

Submission:

Labcorp Genetics (formerly Invitae), Labcorp
Classification: Uncertain significance for Joubert syndrome; Meckel-Gruber syndrome; Nephronophthisis. Last evaluated: 2022-07-19. Review status: criteria provided, single submitter. Criteria: Invitae Variant Classification Sherloc (09022015). Collection method: clinical testing. Allele origin: germline.
Comment: In summary, the available evidence is currently insufficient to determine the role of this variant in disease. Therefore, it has been classified as a Variant of Uncertain Significance. Algorithms developed to predict the effect of missense changes on protein structure and function are either unavailable or do not agree on the potential impact of this missense change (SIFT: "Deleterious"; PolyPhen-2: "Possibly Damaging"; Align-GVGD: "Class C0"). ClinVar contains an entry for this variant (Variation ID: 1478181). This variant has not been reported in the literature in individuals affected with CEP290-related conditions. This variant is present in population databases (no rsID available, gnomAD 0.007%). This sequence change replaces tyrosine, which is neutral and polar, with cysteine, which is neutral and slightly polar, at codon 2192 of the CEP290 protein (p.Tyr2192Cys).

NM_025114.4(CEP290):c.6575A>G (p.Tyr2192Cys)

Gene: CEP290 (centrosomal protein 290; minus strand). Cytogenetic location: 12q21.32.
Variant type: single nucleotide variant.
Coding change: c.6575A>G on transcript NM_025114.4 (MANE Select); coding-DNA position 6575, A replaced by G.
Protein change: p.Tyr2192Cys; replaces tyrosine 2192 with cysteine.
Molecular consequence: missense variant.
Genome position (GRCh38, 1-based): chr12:88,059,968, T>C on the plus strand (A>G on the coding strand, the complement: CEP290 is on the minus strand). VCF-style: chr12-88059968-T-C. GRCh37 (hg19) VCF-style: chr12-88453745-T-C.
Other names: short protein forms Y2192C.
Identifiers: ClinVar variation 1478181 (VCV001478181.8), dbSNP rs1222842886, ClinGen allele CA385978223.